The following is an entry in ClinVar:

ClinVar aggregate classification (germline): Uncertain significance (1 of 4 stars; one submission).

Conditions:
Emery-Dreifuss muscular dystrophy 5, autosomal dominant (EDMD5). Also called: EMERY-DREIFUSS MUSCULAR DYSTROPHY 5. Identifiers: Orphanet 261, MedGen C2751805, MONDO:0013072, OMIM 612999.

Submission:

Labcorp Genetics (formerly Invitae), Labcorp
Classification: Uncertain significance for Emery-Dreifuss muscular dystrophy 5, autosomal dominant. Last evaluated: 2023-10-09. Review status: criteria provided, single submitter. Criteria: Invitae Variant Classification Sherloc (09022015). Collection method: clinical testing. Allele origin: germline.
Comment: This sequence change replaces tyrosine, which is neutral and polar, with histidine, which is basic and polar, at codon 1604 of the SYNE2 protein (p.Tyr1604His). This variant is not present in population databases (gnomAD no frequency). This variant has not been reported in the literature in individuals affected with SYNE2-related conditions. Algorithms developed to predict the effect of missense changes on protein structure and function output the following: SIFT: "Not Available"; PolyPhen-2: "Benign"; Align-GVGD: "Not Available". The histidine amino acid residue is found in multiple mammalian species, which suggests that this missense change does not adversely affect protein function. In summary, the available evidence is currently insufficient to determine the role of this variant in disease. Therefore, it has been classified as a Variant of Uncertain Significance.

NM_182914.3(SYNE2):c.4810T>C (p.Tyr1604His)

Gene: SYNE2 (spectrin repeat containing nuclear envelope protein 2; plus strand). Cytogenetic location: 14q23.2.
Variant type: single nucleotide variant.
Coding change: c.4810T>C on transcript NM_182914.3 (MANE Select); coding-DNA position 4810, T replaced by C.
Protein change: p.Tyr1604His; replaces tyrosine 1604 with histidine.
Molecular consequence: missense variant.
Genome position (GRCh38, 1-based): chr14:64,016,554, T>C. VCF-style: chr14-64016554-T-C. GRCh37 (hg19) VCF-style: chr14-64483272-T-C.
Other names: c.4810T>C, p.Tyr1604His (NM_015180.6); short protein forms Y1604H.
Identifiers: ClinVar variation 2767267 (VCV002767267.3), dbSNP rs2551074115, ClinGen allele CA389937257.